The following is an entry in ClinVar:

NM_014989.7(RIMS1):c.4007C>G (p.Ser1336Cys)

Gene: RIMS1 (regulating synaptic membrane exocytosis 1; plus strand). Cytogenetic location: 6q13.
Variant type: single nucleotide variant.
Coding change: c.4007C>G on transcript NM_014989.7 (MANE Select); coding-DNA position 4007, C replaced by G.
Protein change: p.Ser1336Cys; replaces serine 1336 with cysteine.
Molecular consequence: missense variant. On other transcripts: intron variant (24).
Genome position (GRCh38, 1-based): chr6:72,313,549, C>G. VCF-style: chr6-72313549-C-G. GRCh37 (hg19) VCF-style: chr6-73023252-C-G.
Other names: c.1967C>G, p.Ser656Cys (NM_001168407.2); c.1928C>G, p.Ser643Cys (NM_001350414.2); c.2051C>G, p.Ser684Cys (NM_001350415.2); c.2000C>G, p.Ser667Cys (NM_001350416.2); c.1973C>G, p.Ser658Cys (NM_001350418.2); c.2081C>G, p.Ser694Cys (NM_001350420.2); c.1826C>G, p.Ser609Cys (NM_001350421.2); c.1742C>G, p.Ser581Cys (NM_001350423.2, NM_001350444.2); and 51 more; short protein forms S525C, S552C, S562C, S581C, S632C, S637C, S657C, S658C.
Identifiers: ClinVar variation 1383904 (VCV001383904.8), dbSNP rs1261478393, ClinGen allele CA364690993.
Genomic context (GRCh38, chr6:72,313,549, plus strand): 5'-TTGTTTTTAATCTTTAGTATAACATACATAAAGATCAGTACAGAAGCTGTGATAACGTCT[C>G]TGCCAAATCATCAGATAGTGATGTCAGTGATGTTTCCGCCATTTCCCGAACCAGCAGTGC-3'
Protein context (NP_055804.2, residues 1326-1346): KDQYRSCDNV[Ser1336Cys]AKSSDSDVSD

ClinVar aggregate classification (germline): Uncertain significance (1 of 4 stars; one submission).

Allele frequency attached by ClinVar (database versions not stated): gnomAD exomes below 0.00001.
gnomAD v4.1: 2 of 1,613,802 alleles (0.00012%); highest among the groups gnomAD compares: Admixed American, 0.0017%; no homozygotes.

Submission:

Labcorp Genetics (formerly Invitae), Labcorp
Classification: Uncertain significance. Last evaluated: 2021-07-08. Review status: criteria provided, single submitter. Criteria: Invitae Variant Classification Sherloc (09022015). Collection method: clinical testing. Allele origin: germline.
Comment: Algorithms developed to predict the effect of missense changes on protein structure and function (SIFT, PolyPhen-2, Align-GVGD) all suggest that this variant is likely to be disruptive. This variant has not been reported in the literature in individuals affected with RIMS1-related conditions. This variant is not present in population databases (ExAC no frequency). This sequence change replaces serine with cysteine at codon 1336 of the RIMS1 protein (p.Ser1336Cys). The serine residue is highly conserved and there is a moderate physicochemical difference between serine and cysteine. In summary, the available evidence is currently insufficient to determine the role of this variant in disease. Therefore, it has been classified as a Variant of Uncertain Significance.